The following is an entry in ClinVar:

NM_020911.2(PLXNA4):c.4884G>A (p.Thr1628=)

Gene: PLXNA4 (plexin A4; minus strand). Cytogenetic location: 7q32.3.
Variant type: single nucleotide variant.
Coding change: c.4884G>A on transcript NM_020911.2 (MANE Select); coding-DNA position 4884, G replaced by A.
Protein change: p.Thr1628=; no amino-acid change (threonine 1628 retained).
Molecular consequence: synonymous variant.
Genome position (GRCh38, 1-based): chr7:132,146,681, C>T on the plus strand (G>A on the coding strand, the complement: PLXNA4 is on the minus strand). VCF-style: chr7-132146681-C-T. GRCh37 (hg19) VCF-style: chr7-131831440-C-T.
Other names: c.4884G>A, p.Thr1628= (NM_001393897.1).
Identifiers: ClinVar variation 3352231 (VCV003352231.2).

ClinVar aggregate classification (germline): Uncertain significance (1 of 4 stars; one submission).

Conditions:
PLXNA4-related disorder. Also called: PLXNA4-related condition.

gnomAD v4.1: 34 of 1,614,154 alleles (0.0021%); highest among the groups gnomAD compares: Non-Finnish European, 0.0025%; no homozygotes.

Submission:

PreventionGenetics, part of Exact Sciences
Classification: Uncertain significance for PLXNA4-related condition. Last evaluated: 2025-12-04. Review status: criteria provided, single submitter. Criteria: ACMG Guidelines, 2015. Collection method: clinical testing. Allele origin: germline.
Comment: The PLXNA4 c.4884G>A variant is not predicted to result in an amino acid change (p.=). This variant is predicted to alter splicing based on available splicing prediction programs (SpliceAI, Jaganathan et al. 2019. PubMed ID: 30661751; Alamut Visual Plus v1.6.1). However, the use of computer prediction programs is not equivalent to functional evidence. To our knowledge, this variant has not been reported in the literature. This variant is reported in 0.0051% of alleles in individuals of East Asian descent in gnomAD. At this time, the clinical significance of this variant is uncertain due to the absence of conclusive functional and genetic evidence.